The following is an entry in ClinVar:

NM_000051.4(ATM):c.1171del (p.Glu390_Leu391insTer)

Gene: ATM (ATM serine/threonine kinase; plus strand). Cytogenetic location: 11q22.3.
Variant type: Deletion.
Coding change: c.1171del on transcript NM_000051.4 (MANE Select); coding-DNA position 1171, one base deleted (C; older notation c.1171delC).
Protein change: p.Glu390_Leu391insTer.
Molecular consequence: nonsense.
Genome position (GRCh38, 1-based): chr11:108,249,038, C deleted. VCF-style (leftmost placement, unchanged base first): chr11-108249037-AC-A. GRCh37 (hg19) VCF-style: chr11-108119764-AC-A.
Other names: c.1171del, p.Glu390_Leu391insTer (NM_001351834.2).
Identifiers: ClinVar variation 3148461 (VCV003148461.1), dbSNP rs2497211427, ClinGen allele CA2825001769.
Genomic context (GRCh38, chr11:108,249,037, plus strand): 5'-CACTACTACACAAAGAGAATCTAGTGATTACAGTGTCCCTTGCAAAAGGAAGAAAATAGA[AC>A]TAGGCTGGGAAGTAATAAAAGATCACCTTCAGAAGTCACAGAATGATTTTGATCTTGTGC-3'

ClinVar aggregate classification (germline): Pathogenic. Review status: criteria provided, multiple submitters, no conflicts (2 of 4 stars). 2 submissions from 2 submitters: Pathogenic (2). Last evaluated 2025-06-27.

Conditions:
Familial cancer of breast. Also called: Hereditary breast cancer; BREAST CANCER, FAMILIAL; hereditary breast carcinoma. Identifiers: Orphanet 227535, MedGen C0346153, MONDO:0016419, OMIM 114480. Disease mechanism: loss of function.
Ataxia-telangiectasia syndrome (AT). Also called: Ataxia telangiectasia (A-T); Ataxia-telangiectasia, complementation group D; Ataxia-telangiectasia, complementation group E; LOUIS-BAR SYNDROME; Cerebello-oculocutaneous telangiectasia; Immunodeficiency with ataxia telangiectasia. Identifiers: Orphanet 100, MedGen C0004135, MONDO:0008840, OMIM 208900.

Submissions (2):

Labcorp Genetics (formerly Invitae), Labcorp
Classification: Pathogenic for Ataxia-telangiectasia syndrome. Last evaluated: 2025-06-27. Review status: criteria provided, single submitter. Criteria: Invitae Variant Classification Sherloc (09022015). Collection method: clinical testing. Allele origin: germline.
Comment: This sequence change creates a premature translational stop signal (p.Leu391*) in the ATM gene. It is expected to result in an absent or disrupted protein product. Loss-of-function variants in ATM are known to be pathogenic (PMID: 23807571, 25614872). This variant is not present in population databases (gnomAD no frequency). This variant has not been reported in the literature in individuals affected with ATM-related conditions. ClinVar contains an entry for this variant (Variation ID: 3148461). Algorithms developed to predict the effect of sequence changes on RNA splicing suggest that this variant may disrupt the consensus splice site. For these reasons, this variant has been classified as Pathogenic.

Myriad Genetics, Inc.
Classification: Pathogenic for Familial cancer of breast. Last evaluated: 2024-01-12. Review status: criteria provided, single submitter. Criteria: Myriad Autosomal Dominant, Autosomal Recessive and X-Linked Classification Criteria (2023). Collection method: clinical testing. Allele origin: unknown.
Comment: This variant is considered pathogenic. This variant creates a termination codon and is predicted to result in premature protein truncation.

Literature cited by the submitters: PubMed 23807571 (cited by Labcorp Genetics (formerly Invitae), Labcorp); PubMed 25614872 (cited by Labcorp Genetics (formerly Invitae), Labcorp).